The following is an entry in ClinVar:

ClinVar aggregate classification (germline): Uncertain significance. Review status: criteria provided, multiple submitters, no conflicts (2 of 4 stars). 2 submissions from 2 submitters: Uncertain significance (2). Last evaluated 2025-11-03.

Conditions:
Hereditary cancer-predisposing syndrome. Also called: Neoplastic Syndromes, Hereditary; Hereditary neoplastic syndrome; Tumor predisposition; Hereditary Cancer Syndrome. Identifiers: Orphanet 140162, MedGen C0027672, MeSH D009386, MONDO:0015356.
Tumor predisposition syndrome 3 (TPDS3). Also called: Melanoma, cutaneous malignant, susceptibility to, 10; Glioma susceptibility 9; LONG TELOMERE SYNDROME, POT1-RELATED; POT1 Tumor Predisposition. Identifiers: Orphanet 618, MedGen C4014476, MONDO:0014368, OMIM 615848.

Allele frequency attached by ClinVar (database versions not stated): TOPMed 0.00001.
gnomAD v4.1: 2 of 1,565,254 alleles (0.00013%); highest among the groups gnomAD compares: Non-Finnish European, 0.00017%; no homozygotes.

Submissions (2):

Ambry Genetics
Classification: Uncertain significance for Hereditary cancer-predisposing syndrome. Last evaluated: 2025-11-03. Review status: criteria provided, single submitter. Criteria: Ambry Variant Classification Scheme 2023. Collection method: clinical testing. Allele origin: germline.
Comment: The c.547-3C>T intronic variant results from a C to T substitution 3 nucleotides upstream from coding exon 5 in the POT1 gene. This nucleotide position is well conserved in available vertebrate species. In silico splice site analysis predicts that this alteration will weaken the native splice acceptor site; however, direct evidence is insufficient at this time (Ambry internal data). Since supporting evidence is limited at this time, the clinical significance of this alteration remains unclear.

Labcorp Genetics (formerly Invitae), Labcorp
Classification: Uncertain significance for Tumor predisposition syndrome 3. Last evaluated: 2025-10-22. Review status: criteria provided, single submitter. Criteria: Invitae Variant Classification Sherloc (09022015). Collection method: clinical testing. Allele origin: germline.
Comment: This sequence change falls in intron 8 of the POT1 gene. It does not directly change the encoded amino acid sequence of the POT1 protein. It affects a nucleotide within the consensus splice site. This variant is not present in population databases (gnomAD no frequency). This variant has not been reported in the literature in individuals affected with POT1-related conditions. ClinVar contains an entry for this variant (Variation ID: 862239). Variants that disrupt the consensus splice site are a relatively common cause of aberrant splicing (PMID: 17576681, 9536098). RNA analysis performed to evaluate the impact of this variant on mRNA splicing indicates it does not significantly alter splicing (internal data). In summary, the available evidence is currently insufficient to determine the role of this variant in disease. Therefore, it has been classified as a Variant of Uncertain Significance.

Literature cited by the submitters: PubMed 17576681 (cited by Labcorp Genetics (formerly Invitae), Labcorp); PubMed 9536098 (cited by Labcorp Genetics (formerly Invitae), Labcorp).

NM_015450.3(POT1):c.547-3C>T

Gene: POT1 (protection of telomeres 1; minus strand). Cytogenetic location: 7q31.33.
Variant type: single nucleotide variant.
Coding change: c.547-3C>T on transcript NM_015450.3 (MANE Select); 3 bases into the intron before coding-DNA position 547, C replaced by T.
Molecular consequence: intron variant.
Genome position (GRCh38, 1-based): chr7:124,859,115, G>A on the plus strand (C>T on the coding strand, the complement: POT1 is on the minus strand). VCF-style: chr7-124859115-G-A. GRCh37 (hg19) VCF-style: chr7-124499169-G-A.
Other names: c.154-3C>T (NM_001042594.2).
Identifiers: ClinVar variation 862239 (VCV000862239.13), dbSNP rs770890978, ClinGen allele CA166070255.